The following is an entry in ClinVar:

NM_022166.4(XYLT1):c.2129G>A (p.Ser710Asn)

Gene: XYLT1 (xylosyltransferase 1; minus strand). Cytogenetic location: 16p12.3.
Variant type: single nucleotide variant.
Coding change: c.2129G>A on transcript NM_022166.4 (MANE Select); coding-DNA position 2129, G replaced by A.
Protein change: p.Ser710Asn; replaces serine 710 with asparagine.
Molecular consequence: missense variant.
Genome position (GRCh38, 1-based): chr16:17,127,760, C>T on the plus strand (G>A on the coding strand, the complement: XYLT1 is on the minus strand). VCF-style: chr16-17127760-C-T. GRCh37 (hg19) VCF-style: chr16-17221617-C-T.
Other names: c.2129G>A (NM_022166.3); short protein forms S710N.
Identifiers: ClinVar variation 1061078 (VCV001061078.8), dbSNP rs1174079303, ClinGen allele CA395219078.

ClinVar aggregate classification (germline): Uncertain significance. Review status: criteria provided, multiple submitters, no conflicts (2 of 4 stars). 2 submissions from 2 submitters: Uncertain significance (2). Last evaluated 2024-08-07.

Conditions:
Inborn genetic diseases. Identifiers: MedGen C0950123, MeSH D030342.
Desbuquois dysplasia 1 (DBQD1). Also called: MICROMELIC DWARFISM WITH VERTEBRAL AND METAPHYSEAL ABNORMALITIES AND ADVANCED CARPOTARSAL OSSIFICATION; DESBUQUOIS DYSPLASIA 1, KIM VARIANT. Identifiers: Orphanet 1425, MedGen C4012146, MONDO:0009629, OMIM 251450.

Allele frequency attached by ClinVar (database versions not stated): gnomAD 0.00001; gnomAD exomes 0.00001.
gnomAD v4.1: 4 of 1,614,026 alleles (0.00025%); highest among the groups gnomAD compares: Admixed American, 0.0067%; no homozygotes.

Submissions (2):

Ambry Genetics
Classification: Uncertain significance for Inborn genetic diseases. Last evaluated: 2024-08-07. Review status: criteria provided, single submitter. Criteria: Ambry Variant Classification Scheme 2023. Collection method: clinical testing. Allele origin: germline.

Labcorp Genetics (formerly Invitae), Labcorp
Classification: Uncertain significance for Desbuquois dysplasia 1. Last evaluated: 2022-02-24. Review status: criteria provided, single submitter. Criteria: Invitae Variant Classification Sherloc (09022015). Collection method: clinical testing. Allele origin: germline.
Comment: In summary, the available evidence is currently insufficient to determine the role of this variant in disease. Therefore, it has been classified as a Variant of Uncertain Significance. Algorithms developed to predict the effect of missense changes on protein structure and function (SIFT, PolyPhen-2, Align-GVGD) all suggest that this variant is likely to be tolerated. ClinVar contains an entry for this variant (Variation ID: 1061078). This variant has not been reported in the literature in individuals affected with XYLT1-related conditions. This variant is present in population databases (no rsID available, gnomAD 0.006%). This sequence change replaces serine, which is neutral and polar, with asparagine, which is neutral and polar, at codon 710 of the XYLT1 protein (p.Ser710Asn).